The following is an entry in ClinVar:

ClinVar aggregate classification (germline): Uncertain significance (1 of 4 stars; one submission).

Allele frequency attached by ClinVar (database versions not stated): ExAC 0.00001.
gnomAD v4.1: 5 of 1,614,180 alleles (0.00031%); highest among the groups gnomAD compares: Admixed American, 0.0083%; no homozygotes.

Submission:

Labcorp Genetics (formerly Invitae), Labcorp
Classification: Uncertain significance. Last evaluated: 2023-09-09. Review status: criteria provided, single submitter. Criteria: Invitae Variant Classification Sherloc (09022015). Collection method: clinical testing. Allele origin: germline.
Comment: This variant has not been reported in the literature in individuals affected with FLNB-related conditions. In summary, the available evidence is currently insufficient to determine the role of this variant in disease. Therefore, it has been classified as a Variant of Uncertain Significance. Advanced modeling of protein sequence and biophysical properties (such as structural, functional, and spatial information, amino acid conservation, physicochemical variation, residue mobility, and thermodynamic stability) performed at Invitae indicates that this missense variant is not expected to disrupt FLNB protein function. This variant is present in population databases (rs770097697, gnomAD 0.006%). This sequence change replaces tyrosine, which is neutral and polar, with phenylalanine, which is neutral and non-polar, at codon 414 of the FLNB protein (p.Tyr414Phe).

NM_001457.4(FLNB):c.1241A>T (p.Tyr414Phe)

Gene: FLNB (filamin B; plus strand). Cytogenetic location: 3p14.3.
Variant type: single nucleotide variant.
Coding change: c.1241A>T on transcript NM_001457.4 (MANE Select); coding-DNA position 1241, A replaced by T.
Protein change: p.Tyr414Phe; replaces tyrosine 414 with phenylalanine.
Molecular consequence: missense variant.
Genome position (GRCh38, 1-based): chr3:58,098,804, A>T. VCF-style: chr3-58098804-A-T. GRCh37 (hg19) VCF-style: chr3-58084531-A-T.
Other names: c.1241A>T, p.Tyr414Phe (NM_001164317.2, NM_001164318.2, NM_001164319.2); short protein forms Y414F.
Identifiers: ClinVar variation 2804170 (VCV002804170.3), dbSNP rs770097697, ClinGen allele CA2467745.